The following is an entry in ClinVar:

ClinVar aggregate classification (germline): Benign (1 of 4 stars; one submission).

Allele frequency attached by ClinVar (database versions not stated): 1000 Genomes Project 0.13598; 1000 Genomes Project 30x 0.14179; TOPMed 0.18609; gnomAD 0.18632 and 0.19156.
gnomAD v4.1: 27,959 of 150,114 alleles (19%); highest among the groups gnomAD compares: Middle Eastern, 26%; 2,794 homozygotes.

Submission:

GeneDx
Classification: Benign. Last evaluated: 2018-06-14. Review status: criteria provided, single submitter. Criteria: GeneDx Variant Classification (06012015). Collection method: clinical testing. Allele origin: germline. Affected: yes.
Comment: This variant is considered likely benign or benign based on one or more of the following criteria: it is a conservative change, it occurs at a poorly conserved position in the protein, it is predicted to be benign by multiple in silico algorithms, and/or has population frequency not consistent with disease.

NM_001130987.2(DYSF):c.2864+244G>C

Gene: DYSF (dysferlin; plus strand). Cytogenetic location: 2p13.2.
Variant type: single nucleotide variant.
Coding change: c.2864+244G>C on transcript NM_001130987.2 (MANE Select); 244 bases into the intron after coding-DNA position 2864, G replaced by C.
Molecular consequence: intron variant.
Genome position (GRCh38, 1-based): chr2:71,568,582, G>C. VCF-style: chr2-71568582-G-C. GRCh37 (hg19) VCF-style: chr2-71795712-G-C.
Other names: c.2903+244G>C (NM_001130979.2); c.2861+244G>C (NM_001130981.2, NM_001130980.2); c.2810+244G>C (NM_001130978.2, NM_003494.4); c.2768+244G>C (NM_001130977.2, NM_001130976.2); c.2906+244G>C (NM_001130982.2); c.2864+244G>C (NM_001130985.2); c.2813+244G>C (NM_001130983.2, NM_001130455.2); c.2771+244G>C (NM_001130984.2, NM_001130986.2).
Identifiers: ClinVar variation 679988 (VCV000679988.1), dbSNP rs111459768, ClinGen allele CA11118038.